The following is an entry in ClinVar:

ClinVar aggregate classification (germline): Uncertain significance (1 of 4 stars; one submission).

Conditions:
Early-infantile DEE. Also called: Early infantile epileptic encephalopathy; Ohtahara syndrome; Early infantile epileptic encephalopathy with suppression bursts. Identifiers: Orphanet 1934, MedGen C0393706, MONDO:0800491.

gnomAD v4.1: 4 of 1,612,850 alleles (0.00025%); highest among the groups gnomAD compares: East Asian, 0.0022%; no homozygotes.

Submission:

Labcorp Genetics (formerly Invitae), Labcorp
Classification: Uncertain significance for Early-infantile DEE. Last evaluated: 2025-11-09. Review status: criteria provided, single submitter. Criteria: Invitae Variant Classification Sherloc (09022015). Collection method: clinical testing. Allele origin: germline.
Comment: This sequence change replaces isoleucine, which is neutral and non-polar, with valine, which is neutral and non-polar, at codon 1176 of the SCN8A protein (p.Ile1176Val). This variant is not present in population databases (gnomAD no frequency). This variant has not been reported in the literature in individuals affected with SCN8A-related conditions. Invitae Evidence Modeling of protein sequence and biophysical properties (such as structural, functional, and spatial information, amino acid conservation, physicochemical variation, residue mobility, and thermodynamic stability) indicates that this missense variant is not expected to disrupt SCN8A protein function with a negative predictive value of 95%. In summary, the available evidence is currently insufficient to determine the role of this variant in disease. Therefore, it has been classified as a Variant of Uncertain Significance.

NM_001330260.2(SCN8A):c.3526A>G (p.Ile1176Val)

Gene: SCN8A (sodium voltage-gated channel alpha subunit 8; plus strand). Cytogenetic location: 12q13.13.
Variant type: single nucleotide variant.
Coding change: c.3526A>G on transcript NM_001330260.2 (MANE Select); coding-DNA position 3526, A replaced by G.
Protein change: p.Ile1176Val; replaces isoleucine 1176 with valine.
Molecular consequence: missense variant.
Genome position (GRCh38, 1-based): chr12:51,770,564, A>G. VCF-style: chr12-51770564-A-G. GRCh37 (hg19) VCF-style: chr12-52164348-A-G.
Other names: c.3526A>G, p.Ile1176Val (NM_001177984.3, NM_001369788.1, NM_014191.4); short protein forms I1176V.
Identifiers: ClinVar variation 4695227 (VCV004695227.1).